The following is an entry in ClinVar:

NM_024640.4(YRDC):c.52G>A (p.Val18Met)

Genes: C1orf122 (chromosome 1 open reading frame 122; plus strand), YRDC (yrdC N6-threonylcarbamoyltransferase domain containing; minus strand). Cytogenetic location: 1p34.3.
Variant type: single nucleotide variant.
Coding change: c.52G>A on transcript NM_024640.4 (MANE Select); coding-DNA position 52, G replaced by A.
Protein change: p.Val18Met; replaces valine 18 with methionine.
Molecular consequence: missense variant. On other transcripts: 5 prime UTR variant (2).
Genome position (GRCh38, 1-based): chr1:37,808,129, C>T on the plus strand (G>A on the coding strand, the complement: YRDC is on the minus strand). VCF-style: chr1-37808129-C-T. GRCh37 (hg19) VCF-style: chr1-38273801-C-T.
Other names: c.-332C>T (NM_001142726.2); c.-276C>T (NM_198446.3); c.52G>A (NM_024640.3); short protein forms V18M.
Identifiers: ClinVar variation 2112500 (VCV002112500.5), dbSNP rs1188801136, ClinGen allele CA339475182.

ClinVar aggregate classification (germline): Uncertain significance. Review status: criteria provided, multiple submitters, no conflicts (2 of 4 stars). 2 submissions from 2 submitters: Uncertain significance (2). Last evaluated 2025-04-08.

gnomAD v4.1: 7 of 1,469,182 alleles (0.00048%); highest among the groups gnomAD compares: Non-Finnish European, 0.00054%; no homozygotes.

Submissions (2):

Ambry Genetics
Classification: Uncertain significance. Last evaluated: 2025-04-08. Review status: criteria provided, single submitter. Criteria: Ambry Variant Classification Scheme 2023. Collection method: clinical testing. Allele origin: germline.

Labcorp Genetics (formerly Invitae), Labcorp
Classification: Uncertain significance. Last evaluated: 2022-05-29. Review status: criteria provided, single submitter. Criteria: Invitae Variant Classification Sherloc (09022015). Collection method: clinical testing. Allele origin: germline.
Comment: This variant has not been reported in the literature in individuals affected with YRDC-related conditions. Algorithms developed to predict the effect of missense changes on protein structure and function output the following: SIFT: "Tolerated"; PolyPhen-2: "Benign"; Align-GVGD: "Class C0". The methionine amino acid residue is found in multiple mammalian species, which suggests that this missense change does not adversely affect protein function. In summary, the available evidence is currently insufficient to determine the role of this variant in disease. Therefore, it has been classified as a Variant of Uncertain Significance. This variant is not present in population databases (gnomAD no frequency). This sequence change replaces valine, which is neutral and non-polar, with methionine, which is neutral and non-polar, at codon 18 of the YRDC protein (p.Val18Met).